The following is an entry in ClinVar:

ClinVar aggregate classification (germline): Pathogenic (1 of 4 stars; one submission).

Conditions:
Junctional epidermolysis bullosa. Identifiers: Orphanet 305, MedGen C0079301, MONDO:0017612.

Submission:

Myriad Genetics, Inc.
Classification: Pathogenic for Junctional epidermolysis bullosa. Last evaluated: 2024-03-12. Review status: criteria provided, single submitter. Criteria: Myriad Autosomal Dominant, Autosomal Recessive and X-Linked Classification Criteria (2023). Collection method: clinical testing. Allele origin: unknown.
Comment: NM_000228.2(LAMB3):c.754delT(C252Vfs*144) is expected to be pathogenic in the context of junctional epidermolysis bullosa, LAMB3-related. This variant is predicted to lead to an abnormal or absent protein product due to the creation of a premature termination codon in LAMB3, a gene where loss-of-function variants are known to be pathogenic. Please note: this variant was assessed in the context of healthy population screening.

NM_000228.3(LAMB3):c.754del (p.Cys252fs)

Gene: LAMB3 (laminin subunit beta 3; minus strand). Cytogenetic location: 1q32.2.
Variant type: Deletion.
Coding change: c.754del on transcript NM_000228.3 (MANE Select); coding-DNA position 754, one base deleted (T; older notation c.754delT).
Protein change: p.Cys252fs; shifts the reading frame from cysteine 252.
Molecular consequence: frameshift variant.
Genome position (GRCh38, 1-based): chr1:209,632,651, A deleted on the plus strand (T on the coding strand, the reverse complement: LAMB3 is on the minus strand). VCF-style (leftmost placement, unchanged base first): chr1-209632650-CA-C. GRCh37 (hg19) VCF-style: chr1-209805995-CA-C.
Other names: c.754del, p.Cys252fs (NM_001017402.2, NM_001127641.1); short protein forms C252fs.
Identifiers: ClinVar variation 5012818 (VCV005012818.1).